The following is an entry in ClinVar:

NM_138694.4(PKHD1):c.10722del (p.Gly3575fs)

Gene: PKHD1 (PKHD1 ciliary IPT domain containing fibrocystin/polyductin; minus strand). Cytogenetic location: 6p12.3.
Variant type: Deletion.
Coding change: c.10722del on transcript NM_138694.4 (MANE Select); coding-DNA position 10722, one base deleted (A; older notation c.10722delA).
Protein change: p.Gly3575fs; shifts the reading frame from glycine 3575.
Molecular consequence: frameshift variant.
Genome position (GRCh38, 1-based): chr6:51,659,404, T deleted on the plus strand (A on the coding strand, the reverse complement: PKHD1 is on the minus strand); the first of 5 consecutive T bases (chr6:51,659,404-51,659,408); deleting any one gives the same sequence. VCF-style (leftmost placement, unchanged base first): chr6-51659403-CT-C. GRCh37 (hg19) VCF-style: chr6-51524201-CT-C.
Other names: short protein forms G3575fs.
Identifiers: ClinVar variation 2743032 (VCV002743032.4), dbSNP rs2533442093, ClinGen allele CA2566388098.

ClinVar aggregate classification (germline): Pathogenic/Likely pathogenic. Review status: criteria provided, multiple submitters, no conflicts (2 of 4 stars). 2 submissions from 2 submitters: Pathogenic (1); Likely pathogenic (1). Last evaluated 2024-06-15.

Conditions:
Autosomal recessive polycystic kidney disease (ARPKD). Also called: AR polycystic kidney disease. Identifiers: Orphanet 731, Orphanet 8378, MedGen C0085548, MeSH D017044, MONDO:0009889.
Polycystic kidney disease 4 (PKD4). Also called: Autosomal Recessive Polycystic Kidney Disease – PKHD1; POLYCYSTIC KIDNEY AND HEPATIC DISEASE 1; POLYCYSTIC KIDNEY DISEASE, INFANTILE, TYPE I; POLYCYSTIC KIDNEY DISEASE 4 WITH OR WITHOUT POLYCYSTIC LIVER DISEASE; PKD3. Identifiers: MedGen C4540575, MONDO:0033004, OMIM 263200.

Submissions (2):

Fulgent Genetics
Classification: Likely pathogenic for Polycystic kidney disease 4. Last evaluated: 2024-06-15. Review status: criteria provided, single submitter. Criteria: ACMG Guidelines, 2015. Collection method: clinical testing. Allele origin: germline.

Labcorp Genetics (formerly Invitae), Labcorp
Classification: Pathogenic for Autosomal recessive polycystic kidney disease. Last evaluated: 2023-07-13. Review status: criteria provided, single submitter. Criteria: Invitae Variant Classification Sherloc (09022015). Collection method: clinical testing. Allele origin: germline.
Comment: For these reasons, this variant has been classified as Pathogenic. This variant has not been reported in the literature in individuals affected with PKHD1-related conditions. This variant is not present in population databases (gnomAD no frequency). This sequence change creates a premature translational stop signal (p.Gly3575Alafs*4) in the PKHD1 gene. It is expected to result in an absent or disrupted protein product. Loss-of-function variants in PKHD1 are known to be pathogenic (PMID: 19940839).

Literature cited by the submitters: PubMed 19940839 (cited by Labcorp Genetics (formerly Invitae), Labcorp).